The following is an entry in ClinVar:

ClinVar aggregate classification (germline): Benign (1 of 4 stars; one submission).

Allele frequency attached by ClinVar (database versions not stated): 1000 Genomes Project 30x 0.17302; 1000 Genomes Project 0.17332; TOPMed 0.17863; gnomAD 0.18302 and 0.18322.
gnomAD v4.1: 27,873 of 152,044 alleles (18%); highest among the groups gnomAD compares: South Asian, 21%; 2,603 homozygotes.

Submission:

GeneDx
Classification: Benign. Last evaluated: 2018-06-14. Review status: criteria provided, single submitter. Criteria: GeneDx Variant Classification (06012015). Collection method: clinical testing. Allele origin: germline. Affected: yes.
Comment: This variant is considered likely benign or benign based on one or more of the following criteria: it is a conservative change, it occurs at a poorly conserved position in the protein, it is predicted to be benign by multiple in silico algorithms, and/or has population frequency not consistent with disease.

NM_001851.6(COL9A1):c.1765-201C>T

Gene: COL9A1 (collagen type IX alpha 1 chain; minus strand). Cytogenetic location: 6q13.
Variant type: single nucleotide variant.
Coding change: c.1765-201C>T on transcript NM_001851.6 (MANE Select); 201 bases into the intron before coding-DNA position 1765, C replaced by T.
Molecular consequence: intron variant.
Genome position (GRCh38, 1-based): chr6:70,252,516, G>A on the plus strand (C>T on the coding strand, the complement: COL9A1 is on the minus strand). VCF-style: chr6-70252516-G-A. GRCh37 (hg19) VCF-style: chr6-70962219-G-A.
Other names: c.1036-201C>T (NM_001377290.1, NM_078485.4); c.1066-201C>T (NM_001377289.1).
Identifiers: ClinVar variation 677930 (VCV000677930.1), dbSNP rs1321059, ClinGen allele CA12197342.